The following is an entry in ClinVar:

ClinVar aggregate classification (germline): Uncertain significance. Review status: criteria provided, multiple submitters, no conflicts (2 of 4 stars). 3 submissions from 3 submitters: Uncertain significance (3). Last evaluated 2022-10-26.

Conditions:
Inborn genetic diseases. Identifiers: MedGen C0950123, MeSH D030342.
Leigh syndrome (NULS). Also called: Subacute necrotizing encephalopathy; Necrotizing encephalopathy infantile subacute of Leigh; Leigh's syndrome; Leigh Disease; LEIGH SYNDROME, NUCLEAR; Leigh's necrotizing encephalopathy. Identifiers: Orphanet 506, MedGen C2931891, MONDO:0009723, OMIM 256000.

Allele frequency attached by ClinVar (database versions not stated): gnomAD exomes below 0.00001 and 0.00001; ExAC 0.00001; gnomAD 0.00001; TOPMed 0.00003; 1000 Genomes Project 30x 0.00016; 1000 Genomes Project 0.00020.
gnomAD v4.1: 9 of 1,614,156 alleles (0.00056%); highest among the groups gnomAD compares: Admixed American, 0.0017%; no homozygotes.

Submissions (3):

Ambry Genetics
Classification: Uncertain significance for Inborn genetic diseases. Last evaluated: 2022-10-26. Review status: criteria provided, single submitter. Criteria: Ambry Variant Classification Scheme 2023. Collection method: clinical testing. Allele origin: germline.

Labcorp Genetics (formerly Invitae), Labcorp
Classification: Uncertain significance. Last evaluated: 2021-09-30. Review status: criteria provided, single submitter. Criteria: Invitae Variant Classification Sherloc (09022015). Collection method: clinical testing. Allele origin: germline.
Comment: In summary, the available evidence is currently insufficient to determine the role of this variant in disease. Therefore, it has been classified as a Variant of Uncertain Significance. Algorithms developed to predict the effect of missense changes on protein structure and function are either unavailable or do not agree on the potential impact of this missense change (SIFT: "Deleterious"; PolyPhen-2: "Benign"; Align-GVGD: "Class C65"). ClinVar contains an entry for this variant (Variation ID: 1030866). This variant has not been reported in the literature in individuals affected with NDUFA9-related conditions. This variant is present in population databases (rs145275641, ExAC 0.001%). This sequence change replaces arginine with cysteine at codon 48 of the NDUFA9 protein (p.Arg48Cys). The arginine residue is highly conserved and there is a large physicochemical difference between arginine and cysteine.

Baylor Genetics
Classification: Uncertain significance for Leigh syndrome. Last evaluated: 2019-09-20. Review status: criteria provided, single submitter. Criteria: ACMG Guidelines, 2015. Collection method: clinical testing. Allele origin: unknown. Affected: yes.
Comment: This variant was determined to be of uncertain significance according to ACMG Guidelines, 2015 [PMID:25741868].

NM_005002.5(NDUFA9):c.142C>T (p.Arg48Cys)

Gene: NDUFA9 (NADH:ubiquinone oxidoreductase subunit A9; plus strand). Cytogenetic location: 12p13.32.
Variant type: single nucleotide variant.
Coding change: c.142C>T on transcript NM_005002.5 (MANE Select); coding-DNA position 142, C replaced by T.
Protein change: p.Arg48Cys; replaces arginine 48 with cysteine.
Molecular consequence: missense variant.
Genome position (GRCh38, 1-based): chr12:4,654,384, C>T. VCF-style: chr12-4654384-C-T. GRCh37 (hg19) VCF-style: chr12-4763550-C-T.
Other names: short protein forms R48C.
Identifiers: ClinVar variation 1030866 (VCV001030866.8), dbSNP rs145275641, ClinGen allele CA6398008.